The following is an entry in ClinVar:

ClinVar aggregate classification (germline): Benign. Review status: criteria provided, multiple submitters, no conflicts (2 of 4 stars). 3 submissions from 3 submitters: Benign (3). Last evaluated 2024-07-15.

Allele frequency attached by ClinVar (database versions not stated): ESP Exome Variant Server 0.13909; gnomAD 0.15153 and 0.15856; TOPMed 0.15769; gnomAD exomes 0.17657 and 0.19723; ExAC 0.18950; 1000 Genomes Project 30x 0.19972; 1000 Genomes Project 0.20288.
gnomAD v4.1: 280,769 of 1,607,342 alleles (17%); highest among the groups gnomAD compares: East Asian, 30%; 26,152 homozygotes.

Submissions (3):

Unidad de Genómica Garrahan, Hospital de Pediatría Garrahan
Classification: Benign. Last evaluated: 2024-07-15. Review status: criteria provided, single submitter. Criteria: ACMG Guidelines, 2015. Collection method: clinical testing. Allele origin: germline. Affected: no. Observed: 38 variant alleles.
Comment: This variant is classified as Benign based on local population frequency. This variant was detected in 41% of patients studied in a panel designed for Epileptic and Developmental Encephalopathy and Progressive Myoclonus Epilepsy. Number of patients: 38. Only high quality variants are reported.

GeneDx
Classification: Benign. Last evaluated: 2021-05-15. Review status: criteria provided, single submitter. Criteria: GeneDx Variant Classification Process June 2021. Collection method: clinical testing. Allele origin: germline. Affected: yes.

Breakthrough Genomics
Classification: Benign. Review status: criteria provided, single submitter. Criteria: ACMG Guidelines, 2015. Collection method: not provided. Allele origin: germline. Inheritance: Autosomal recessive inheritance. Affected: yes.

NM_007198.4(PLPBP):c.*27A>G

Gene: PLPBP (pyridoxal phosphate binding protein; plus strand). Cytogenetic location: 8p11.23.
Variant type: single nucleotide variant.
Coding change: c.*27A>G on transcript NM_007198.4 (MANE Select); 27 bases downstream of the stop codon, A replaced by G.
Molecular consequence: 3 prime UTR variant.
Genome position (GRCh38, 1-based): chr8:37,778,131, A>G. VCF-style: chr8-37778131-A-G. GRCh37 (hg19) VCF-style: chr8-37635649-A-G.
Other names: c.*27A>G (NM_001349346.2, NM_001349347.2, NM_001349348.2).
Identifiers: ClinVar variation 1283280 (VCV001283280.4), dbSNP rs7463174, ClinGen allele CA4711381.